The following is an entry in ClinVar:

ClinVar aggregate classification (germline): Uncertain significance (1 of 4 stars; one submission).

Conditions:
Familial adenomatous polyposis 1 (FAP1). Also called: FAMILIAL ADENOMATOUS POLYPOSIS 1, ATTENUATED; POLYPOSIS, ADENOMATOUS INTESTINAL. Identifiers: MedGen C2713442, MONDO:0021056, OMIM 175100. Disease mechanism: loss of function.

Submission:

Labcorp Genetics (formerly Invitae), Labcorp
Classification: Uncertain significance for Familial adenomatous polyposis 1. Last evaluated: 2021-02-16. Review status: criteria provided, single submitter. Criteria: Invitae Variant Classification Sherloc (09022015). Collection method: clinical testing. Allele origin: germline.
Comment: This sequence change replaces serine with tyrosine at codon 2631 of the APC protein (p.Ser2631Tyr). The serine residue is highly conserved and there is a large physicochemical difference between serine and tyrosine. This variant is not present in population databases (ExAC no frequency). This variant has not been reported in the literature in individuals with APC-related conditions. Algorithms developed to predict the effect of missense changes on protein structure and function are either unavailable or do not agree on the potential impact of this missense change (SIFT: "Deleterious"; PolyPhen-2: "Benign"; Align-GVGD: "Class C0"). In summary, the available evidence is currently insufficient to determine the role of this variant in disease. Therefore, it has been classified as a Variant of Uncertain Significance.

NM_000038.6(APC):c.7892C>A (p.Ser2631Tyr)

Gene: APC (APC regulator of Wnt signaling pathway; plus strand). Cytogenetic location: 5q22.2.
Variant type: single nucleotide variant.
Coding change: c.7892C>A on transcript NM_000038.6 (MANE Select); coding-DNA position 7892, C replaced by A.
Protein change: p.Ser2631Tyr; replaces serine 2631 with tyrosine.
Molecular consequence: missense variant.
Genome position (GRCh38, 1-based): chr5:112,843,486, C>A. VCF-style: chr5-112843486-C-A. GRCh37 (hg19) VCF-style: chr5-112179183-C-A.
Other names: c.7892C>A, p.Ser2631Tyr (NM_001127510.3, NM_001354895.2); c.7838C>A, p.Ser2613Tyr (NM_001127511.3); c.7946C>A, p.Ser2649Tyr (NM_001354896.2); c.7922C>A, p.Ser2641Tyr (NM_001354897.2); c.7817C>A, p.Ser2606Tyr (NM_001354898.2); c.7808C>A, p.Ser2603Tyr (NM_001354899.2); c.7769C>A, p.Ser2590Tyr (NM_001354900.2); c.7715C>A, p.Ser2572Tyr (NM_001354901.2); and 5 more; short protein forms S2348Y, S2540Y, S2631Y, S2649Y, S2530Y, S2572Y, S2603Y, S2606Y.
Identifiers: ClinVar variation 1524700 (VCV001524700.8), dbSNP rs730881269, ClinGen allele CA16038475.